The following is an entry in ClinVar:

ClinVar aggregate classification (germline): Likely benign; drug response; other. Review status: criteria provided, multiple submitters, no conflicts (2 of 4 stars). 6 submissions from 5 submitters: Likely benign (1). 2 of the submissions do not count toward it. Last evaluated 2019-05-01.

Conditions:
Debrisoquine, poor metabolism of. Identifiers: MedGen C1837156.
Tramadol response. Also called: Ultram response. Identifiers: MedGen CN078023.
Tamoxifen response. Also called: Nolvadex response. Identifiers: MedGen CN078013.
Deutetrabenazine response. Also called: Austedo response. Identifiers: MedGen CN258189.

Allele frequency attached by ClinVar (database versions not stated): TOPMed 0.14281; gnomAD 0.14340 and 0.14042; ExAC 0.17076; gnomAD exomes 0.13858 and 0.16600; ESP Exome Variant Server 0.15105; 1000 Genomes Project 0.09305; 1000 Genomes Project 30x 0.09416.
gnomAD v4.1: 257,187 of 1,578,198 alleles (16%); highest among the groups gnomAD compares: Non-Finnish European, 19%; 9,043 homozygotes.

Submissions (24):

Medical Genetics Summaries
Classification: drug response for Deutetrabenazine response. Last evaluated: 2019-05-01. Review status: criteria provided, single submitter. Criteria: Deutetrabenazine Therapy and CYP2D6 Genotype. Collection method: curation. Allele origin: germline.
Comment: Individuals who do not have any fully functional alleles are either intermediate metabolizers (one decreased function and one no function allele, e.g., *4/*41) or poor metabolizers (2 no function alleles, e.g., *4/*4).Therapeutic recommendations from professional societies state that the maximum dose of deutetrabenazine should not exceed 36 mg per day in individuals with 2 decreased function alleles (CYP2D6 poor metabolizers) to avoid abnormally high plasma levels due to reduced metabolic clearance.

Medical Genetics Summaries
Classification: drug response for Tamoxifen response. Last evaluated: 2019-05-01. Review status: criteria provided, single submitter. Criteria: Tamoxifen Therapy and CYP2D6 Genotype. Collection method: curation. Allele origin: germline.
Comment: Individuals who do not have any fully functional alleles are either intermediate metabolizers (one decreased function and one no function allele, e.g., *4/*41) or poor metabolizers (2 no function alleles, e.g., *4/*4). Currently, there is no consensus on therapeutic guidelines for tamoxifen based on CYP2D6 genotype. Professional societies suggest that poor metabolizers may benefit less from tamoxifen therapy because they have lower concentrations of tamoxifen's major active metabolite, endoxifin, compared with normal metabolizers.

Eurofins Ntd Llc (ga)
Classification: other. Last evaluated: 2018-08-06. Review status: criteria provided, single submitter. Criteria: EGL ClinVar v180209 classification definitions. Collection method: clinical testing. Allele origin: germline. Observed: 97 variant alleles, 94 heterozygotes.

GeneDx
Classification: Likely benign. Last evaluated: 2018-03-09. Review status: criteria provided, single submitter. Criteria: GeneDx Variant Classification (06012015). Collection method: clinical testing. Allele origin: germline. Affected: yes.
Comment: This variant is considered likely benign or benign based on one or more of the following criteria: it is a conservative change, it occurs at a poorly conserved position in the protein, it is predicted to be benign by multiple in silico algorithms, and/or has population frequency not consistent with disease.

Bruce Budowle Laboratory, University of North Texas Health Science Center
Classification: drug response for Tramadol response. Last evaluated: 2018-04-28. Review status: no assertion criteria provided. Collection method: research. Allele origin: somatic. Affected: yes. Observed: 32 variant alleles. Not counted in ClinVar's aggregate classification.

OMIM
Classification: drug response for DEBRISOQUINE, POOR METABOLISM OF. Last evaluated: 2015-05-18. Review status: no assertion criteria provided. Collection method: literature only. Allele origin: germline. Not counted in ClinVar's aggregate classification.

Dr. Peter K. Rogan Lab, Western University
No classification provided (evidence only). Condition: Melanoma. Review status: no classification provided. Collection method: in vitro. Allele origin: not applicable. Functional consequence: retained intron. Not counted in ClinVar's aggregate classification.

Dr. Peter K. Rogan Lab, Western University
No classification provided (evidence only). Condition: Melanoma. Review status: no classification provided. Collection method: in vitro. Allele origin: not applicable. Functional consequence: retained intron. Not counted in ClinVar's aggregate classification.

Dr. Peter K. Rogan Lab, Western University
No classification provided (evidence only). Condition: Melanoma. Review status: no classification provided. Collection method: in vitro. Allele origin: not applicable. Functional consequence: retained intron. Not counted in ClinVar's aggregate classification.

Dr. Peter K. Rogan Lab, Western University
No classification provided (evidence only). Condition: Familial cancer of breast. Review status: no classification provided. Collection method: in vitro. Allele origin: not applicable. Functional consequence: retained intron. Not counted in ClinVar's aggregate classification.

Dr. Peter K. Rogan Lab, Western University
No classification provided (evidence only). Condition: Acute myeloid leukemia. Review status: no classification provided. Collection method: in vitro. Allele origin: not applicable. Functional consequence: retained intron. Not counted in ClinVar's aggregate classification.

Dr. Peter K. Rogan Lab, Western University
No classification provided (evidence only). Condition: Acute myeloid leukemia. Review status: no classification provided. Collection method: in vitro. Allele origin: not applicable. Functional consequence: retained intron. Not counted in ClinVar's aggregate classification.

Dr. Peter K. Rogan Lab, Western University
No classification provided (evidence only). Condition: Acute myeloid leukemia. Review status: no classification provided. Collection method: in vitro. Allele origin: not applicable. Functional consequence: retained intron. Not counted in ClinVar's aggregate classification.

Dr. Peter K. Rogan Lab, Western University
No classification provided (evidence only). Condition: Acute myeloid leukemia. Review status: no classification provided. Collection method: in vitro. Allele origin: not applicable. Functional consequence: retained intron. Not counted in ClinVar's aggregate classification.

Dr. Peter K. Rogan Lab, Western University
No classification provided (evidence only). Condition: Acute myeloid leukemia. Review status: no classification provided. Collection method: in vitro. Allele origin: not applicable. Functional consequence: retained intron. Not counted in ClinVar's aggregate classification.

Dr. Peter K. Rogan Lab, Western University
No classification provided (evidence only). Condition: Acute myeloid leukemia. Review status: no classification provided. Collection method: in vitro. Allele origin: not applicable. Functional consequence: retained intron. Not counted in ClinVar's aggregate classification.

Dr. Peter K. Rogan Lab, Western University
No classification provided (evidence only). Condition: Acute myeloid leukemia. Review status: no classification provided. Collection method: in vitro. Allele origin: not applicable. Functional consequence: retained intron. Not counted in ClinVar's aggregate classification.

Dr. Peter K. Rogan Lab, Western University
No classification provided (evidence only). Condition: Malignant lymphoma, large B-cell, diffuse. Review status: no classification provided. Collection method: in vitro. Allele origin: not applicable. Functional consequence: retained intron. Not counted in ClinVar's aggregate classification.

Dr. Peter K. Rogan Lab, Western University
No classification provided (evidence only). Condition: Malignant lymphoma, large B-cell, diffuse. Review status: no classification provided. Collection method: in vitro. Allele origin: not applicable. Functional consequence: retained intron. Not counted in ClinVar's aggregate classification.

Dr. Peter K. Rogan Lab, Western University
No classification provided (evidence only). Condition: Malignant lymphoma, large B-cell, diffuse. Review status: no classification provided. Collection method: in vitro. Allele origin: not applicable. Functional consequence: retained intron. Not counted in ClinVar's aggregate classification.

Dr. Peter K. Rogan Lab, Western University
No classification provided (evidence only). Condition: Malignant lymphoma, large B-cell, diffuse. Review status: no classification provided. Collection method: in vitro. Allele origin: not applicable. Functional consequence: retained intron. Not counted in ClinVar's aggregate classification.

Dr. Peter K. Rogan Lab, Western University
No classification provided (evidence only). Condition: Malignant lymphoma, large B-cell, diffuse. Review status: no classification provided. Collection method: in vitro. Allele origin: not applicable. Functional consequence: retained intron. Not counted in ClinVar's aggregate classification.

Dr. Peter K. Rogan Lab, Western University
No classification provided (evidence only). Condition: Uterine carcinosarcoma. Review status: no classification provided. Collection method: in vitro. Allele origin: not applicable. Functional consequence: retained intron. Not counted in ClinVar's aggregate classification.

Dr. Peter K. Rogan Lab, Western University
No classification provided (evidence only). Condition: Uveal melanoma. Review status: no classification provided. Collection method: in vitro. Allele origin: not applicable. Functional consequence: retained intron. Not counted in ClinVar's aggregate classification.

Literature cited by the submitters: PubMed 27380339 (cited by Medical Genetics Summaries); PubMed 27380342 (cited by Medical Genetics Summaries); PubMed 27819145 (cited by Medical Genetics Summaries); PubMed 29497277 (cited by Medical Genetics Summaries); PubMed 28265459 (cited by Medical Genetics Summaries); PubMed 29449008 (cited by Medical Genetics Summaries); PubMed 29385237 (cited by Medical Genetics Summaries); PubMed 21814747 (cited by Medical Genetics Summaries); PubMed 15159443 (cited by Medical Genetics Summaries); PubMed 24697814 (cited by Medical Genetics Summaries); PubMed 28955222 (cited by Medical Genetics Summaries); PubMed 29459457 (cited by Medical Genetics Summaries); PubMed 29801584 (cited by Medical Genetics Summaries); PubMed 27883289 (cited by Medical Genetics Summaries); PubMed 28592184 (cited by Medical Genetics Summaries); PubMed 27249031 (cited by Medical Genetics Summaries); PubMed 27060675 (cited by Medical Genetics Summaries); PubMed 27551126 (cited by Medical Genetics Summaries); PubMed 27226358 (cited by Medical Genetics Summaries); PubMed 29183390 (cited by Medical Genetics Summaries); PubMed 28762370 (cited by Medical Genetics Summaries); PubMed 23872831 (cited by Medical Genetics Summaries); PubMed 24033728 (cited by Medical Genetics Summaries); PubMed 29135105 (cited by Medical Genetics Summaries); PubMed 28730340 (cited by Medical Genetics Summaries); PubMed 22395644 (cited by Medical Genetics Summaries); PubMed 22395643 (cited by Medical Genetics Summaries); PubMed 27988492 (cited by Medical Genetics Summaries); PubMed 30676859 (cited by Medical Genetics Summaries); PubMed 17761971 (cited by Medical Genetics Summaries); PubMed 25091503 (cited by Medical Genetics Summaries); PubMed 24329190 (cited by Medical Genetics Summaries); PubMed 24060820 (cited by Medical Genetics Summaries); PubMed 27797974 (cited by Medical Genetics Summaries); PubMed 19809024 (cited by Medical Genetics Summaries); PubMed 1978251 (cited by OMIM); PubMed 1978565 (cited by OMIM); PubMed 2211621 (cited by OMIM); PubMed 7574463 (cited by OMIM).

CYP2D6*4

Gene: CYP2D6 (cytochrome P450 family 2 subfamily D member 6 (gene/pseudogene); minus strand). Cytogenetic location: 22q13.2.
Variant type: single nucleotide variant.
Molecular consequence: splice acceptor variant (on NM_000106.6).
Genome position: GRCh38 VCF-style: chr22-42128945-C-T. GRCh37 (hg19) VCF-style: chr22-42524947-C-T.
Other names: 1846G>A; NM_000106.5(CYP2D6):c.506-1G>A; IVSDS3, G-A, +1; c.353-1G>A (NM_001025161.3); c.506-1G>A (NM_000106.6).
Identifiers: ClinVar variation 16889 (VCV000016889.12), dbSNP rs3892097, ClinGen allele CA126952.
Genomic context (GRCh38, chr22:42,128,945, plus strand): 5'-GGGAGGCGATCACGTTGCTCACGGCTTTGTCCAAGAGACCGTTGGGGCGAAAGGGGCGTC[C>T]TGGGGGTGGGAGATGCGGGTAAGGGGTCGCCTTCCCCGTCCCCCGCCTTCCCAGTTCCCG-3'